The following is an entry in ClinVar:

ClinVar aggregate classification (germline): Likely benign. Review status: criteria provided, multiple submitters, no conflicts (2 of 4 stars). 2 submissions from 2 submitters: Likely benign (2). Last evaluated 2026-07-07.

Conditions:
Rhabdoid tumor predisposition syndrome 2 (RTPS2). Identifiers: Orphanet 231108, Orphanet 69077, MedGen C2750074, MONDO:0013224, OMIM 613325.

Allele frequency attached by ClinVar (database versions not stated): TOPMed below 0.00001; ExAC 0.00001; gnomAD exomes below 0.00001.
gnomAD v4.1: 2 of 1,608,076 alleles (0.00012%); highest among the groups gnomAD compares: East Asian, 0.0022%; no homozygotes.

Submissions (2):

Myriad Genetics, Inc.
Classification: Likely benign for Rhabdoid tumor predisposition syndrome 2. Last evaluated: 2026-07-07. Review status: criteria provided, single submitter. Criteria: Myriad Autosomal Dominant, Autosomal Recessive and X-Linked Classification Criteria (2023). Collection method: clinical testing. Allele origin: unknown.
Comment: This variant is considered likely benign. This variant is intronic and is not expected to impact mRNA splicing.

Labcorp Genetics (formerly Invitae), Labcorp
Classification: Likely benign for Rhabdoid tumor predisposition syndrome 2. Last evaluated: 2023-10-10. Review status: criteria provided, single submitter. Criteria: Invitae Variant Classification Sherloc (09022015). Collection method: clinical testing. Allele origin: germline.

NM_003072.5(SMARCA4):c.3082-13A>G

Gene: SMARCA4 (SWI/SNF related BAF chromatin remodeling complex subunit ATPase 4; plus strand). Cytogenetic location: 19p13.2.
Variant type: single nucleotide variant.
Coding change: c.3082-13A>G on transcript NM_003072.5 (MANE Select); 13 bases into the intron before coding-DNA position 3082, A replaced by G.
Molecular consequence: intron variant.
Genome position (GRCh38, 1-based): chr19:11,025,409, A>G. VCF-style: chr19-11025409-A-G. GRCh37 (hg19) VCF-style: chr19-11136085-A-G.
Other names: c.3082-13A>G (NM_001128844.3, NM_001128849.3, NM_001128847.4 and 5 more transcripts).
Identifiers: ClinVar variation 1617318 (VCV001617318.9), dbSNP rs757235327, ClinGen allele CA9204318.